The following is an entry in ClinVar:

NM_000159.4(GCDH):c.957G>A (p.Arg319=)

Gene: GCDH (glutaryl-CoA dehydrogenase; plus strand). Cytogenetic location: 19p13.13.
Variant type: single nucleotide variant.
Coding change: c.957G>A on transcript NM_000159.4 (MANE Select); coding-DNA position 957, G replaced by A.
Protein change: p.Arg319=; no amino-acid change (arginine 319 retained).
Molecular consequence: synonymous variant. On other transcripts: non-coding transcript variant (2).
Genome position (GRCh38, 1-based): chr19:12,897,303, G>A. VCF-style: chr19-12897303-G-A. GRCh37 (hg19) VCF-style: chr19-13008117-G-A.
Other names: c.957G>A, p.Arg319= (NM_013976.5).
Identifiers: ClinVar variation 2118792 (VCV002118792.3), dbSNP rs2145953762, ClinGen allele CA505648614.

ClinVar aggregate classification (germline): Uncertain significance (1 of 4 stars; one submission).

Conditions:
Glutaric aciduria, type 1. Also called: GA I; Glutaryl-CoA dehydrogenase deficiency; Glutaric acidemia type I; Glutaricaciduria, type I; Glutaricacidemia Type 1; Glutaric Acidemia Type 1. Identifiers: Orphanet 25, MedGen C0268595, MONDO:0009281, OMIM 231670.

Submission:

Labcorp Genetics (formerly Invitae), Labcorp
Classification: Uncertain significance for Glutaric aciduria, type 1. Last evaluated: 2023-12-11. Review status: criteria provided, single submitter. Criteria: Invitae Variant Classification Sherloc (09022015). Collection method: clinical testing. Allele origin: germline.
Comment: This sequence change affects codon 319 of the GCDH mRNA. It is a 'silent' change, meaning that it does not change the encoded amino acid sequence of the GCDH protein. It affects a nucleotide within the consensus splice site. This variant is not present in population databases (gnomAD no frequency). This variant has not been reported in the literature in individuals affected with GCDH-related conditions. ClinVar contains an entry for this variant (Variation ID: 2118792). Algorithms developed to predict the effect of sequence changes on RNA splicing suggest that this variant may create or strengthen a splice site. In summary, the available evidence is currently insufficient to determine the role of this variant in disease. Therefore, it has been classified as a Variant of Uncertain Significance.